The following is an entry in ClinVar:

NM_007194.4(CHEK2):c.1542+10T>C

Gene: CHEK2 (checkpoint kinase 2; minus strand). Cytogenetic location: 22q12.1.
Variant type: single nucleotide variant.
Coding change: c.1542+10T>C on transcript NM_007194.4 (MANE Select); 10 bases into the intron after coding-DNA position 1542, T replaced by C.
Molecular consequence: intron variant.
Genome position (GRCh38, 1-based): chr22:28,689,125, A>G on the plus strand (T>C on the coding strand, the complement: CHEK2 is on the minus strand). VCF-style: chr22-28689125-A-G. GRCh37 (hg19) VCF-style: chr22-29085113-A-G.
Other names: c.879+10T>C (NM_001437942.1, NM_001257387.3); c.1341+10T>C (NM_001349956.3); c.1455+10T>C (NM_145862.3); c.1548+10T>C (NM_001438295.1); c.1635+10T>C (NM_001438293.1); c.1584+10T>C (NM_001438294.1); c.1671+10T>C (NM_001005735.3).
Identifiers: ClinVar variation 759938 (VCV000759938.11), dbSNP rs1601701672, ClinGen allele CA915952833.

ClinVar aggregate classification (germline): Likely benign. Review status: criteria provided, multiple submitters, no conflicts (2 of 4 stars). 2 submissions from 2 submitters: Likely benign (2). Last evaluated 2025-07-03.

Conditions:
Familial cancer of breast. Also called: Hereditary breast cancer; BREAST CANCER, FAMILIAL; hereditary breast carcinoma. Identifiers: Orphanet 227535, MedGen C0346153, MONDO:0016419, OMIM 114480. Disease mechanism: loss of function.

Submissions (2):

Labcorp Genetics (formerly Invitae), Labcorp
Classification: Likely benign for Familial cancer of breast. Last evaluated: 2025-07-03. Review status: criteria provided, single submitter. Criteria: Invitae Variant Classification Sherloc (09022015). Collection method: clinical testing. Allele origin: germline.

Myriad Genetics, Inc.
Classification: Likely benign for Familial cancer of breast. Last evaluated: 2024-10-08. Review status: criteria provided, single submitter. Criteria: Myriad Autosomal Dominant, Autosomal Recessive and X-Linked Classification Criteria (2023). Collection method: clinical testing. Allele origin: unknown.
Comment: This variant is considered likely benign. This variant is intronic and is not expected to impact mRNA splicing.